The following is an entry in ClinVar:

NM_004385.5(VCAN):c.4547A>G (p.Lys1516Arg)

Genes: VCAN (versican; plus strand), VCAN-AS1 (VCAN antisense RNA 1; minus strand). Cytogenetic location: 5q14.3.
Variant type: single nucleotide variant.
Coding change: c.4547A>G on transcript NM_004385.5 (MANE Select); coding-DNA position 4547, A replaced by G.
Protein change: p.Lys1516Arg; replaces lysine 1516 with arginine.
Molecular consequence: missense variant. On other transcripts: intron variant (2).
Genome position (GRCh38, 1-based): chr5:83,537,550, A>G. VCF-style: chr5-83537550-A-G. GRCh37 (hg19) VCF-style: chr5-82833369-A-G.
Other names: c.1586A>G, p.Lys529Arg (NM_001164097.2); c.4004-7987A>G (NM_001164098.2); c.1043-7987A>G (NM_001126336.3); short protein forms K1516R, K529R.
Identifiers: ClinVar variation 167820 (VCV000167820.24), dbSNP rs309559, ClinGen allele CA180478.

ClinVar aggregate classification (germline): Benign. Review status: criteria provided, multiple submitters, no conflicts (2 of 4 stars). 7 submissions from 7 submitters: Benign (7). Last evaluated 2026-02-04.

Conditions:
Wagner disease. Also called: Wagner Vitreoretinal Degeneration (Wagner Synrdome); WAGNER VITREORETINOPATHY; WAGNER SYNDROME 1; Wagner syndrome; HYALOIDEORETINAL DEGENERATION OF WAGNER; WAGNER VITREORETINAL DEGENERATION. Identifiers: Orphanet 898, MedGen C1840452, MONDO:0007740, OMIM 143200.
Vitreoretinopathy. Also called: Vitreoretinal degeneration. Identifiers: MedGen C0344290, MONDO:0020248, HP:0007773.

Allele frequency attached by ClinVar (database versions not stated): 1000 Genomes Project 0.47105; 1000 Genomes Project 30x 0.48095; ExAC 0.48399; gnomAD exomes 0.48411 and 0.48532; ESP Exome Variant Server 0.49862; gnomAD 0.49958 and 0.50554; TOPMed 0.50015.
gnomAD v4.1: 783,418 of 1,613,366 alleles (49%); highest among the groups gnomAD compares: Admixed American, 52%; 191,058 homozygotes.

Submissions (7):

Labcorp Genetics (formerly Invitae), Labcorp
Classification: Benign. Last evaluated: 2026-02-04. Review status: criteria provided, single submitter. Criteria: Invitae Variant Classification Sherloc (09022015). Collection method: clinical testing. Allele origin: germline.

Blueprint Genetics
Classification: Benign. Last evaluated: 2024-11-27. Review status: criteria provided, single submitter. Criteria: ACMG Guidelines, 2015. Collection method: clinical testing. Allele origin: germline.

Genome-Nilou Lab
Classification: Benign for Wagner disease. Last evaluated: 2021-12-05. Review status: criteria provided, single submitter. Criteria: ACMG Guidelines, 2015. Collection method: clinical testing. Allele origin: germline. Affected: no.

GeneDx
Classification: Benign. Last evaluated: 2021-05-05. Review status: criteria provided, single submitter. Criteria: GeneDx Variant Classification Process June 2021. Collection method: clinical testing. Allele origin: germline. Affected: yes.

Illumina Laboratory Services, Illumina
Classification: Benign for Vitreoretinopathy. Last evaluated: 2018-01-12. Review status: criteria provided, single submitter. Criteria: ICSL Variant Classification Criteria 13 December 2019. Collection method: clinical testing. Allele origin: germline.
Comment: This variant was observed in the ICSL laboratory as part of a predisposition screen in an ostensibly healthy population. It had not been previously curated by ICSL or reported in the Human Gene Mutation Database (HGMD: prior to June 1st, 2018), and was therefore a candidate for classification through an automated scoring system. Utilizing variant allele frequency, disease prevalence and penetrance estimates, and inheritance mode, an automated score was calculated to assess if this variant is too frequent to cause the disease. Based on the score and internal cut-off values, a variant classified as benign is not then subjected to further curation. The score for this variant resulted in a classification of benign for this disease.

Eurofins Ntd Llc (ga)
Classification: Benign. Last evaluated: 2014-03-17. Review status: criteria provided, single submitter. Criteria: EGL Classification Definitions 2015. Collection method: clinical testing. Allele origin: germline. Observed: 3 variant alleles, 3 heterozygotes.

PreventionGenetics, part of Exact Sciences
Classification: Benign. Review status: criteria provided, single submitter. Criteria: ACMG Guidelines, 2015. Collection method: clinical testing. Allele origin: germline.